The following is an entry in ClinVar:

NM_001378030.1(CCDC78):c.947C>T (p.Ala316Val)

Gene: CCDC78 (coiled-coil domain containing 78; minus strand). Cytogenetic location: 16p13.3.
Variant type: single nucleotide variant.
Coding change: c.947C>T on transcript NM_001378030.1 (MANE Select); coding-DNA position 947, C replaced by T.
Protein change: p.Ala316Val; replaces alanine 316 with valine.
Molecular consequence: missense variant. On other transcripts: non-coding transcript variant (5).
Genome position (GRCh38, 1-based): chr16:724,328, G>A on the plus strand (C>T on the coding strand, the complement: CCDC78 is on the minus strand). VCF-style: chr16-724328-G-A. GRCh37 (hg19) VCF-style: chr16-774328-G-A.
Other names: c.947C>T, p.Ala316Val (NM_001031737.3, NM_001378031.1); c.380C>T, p.Ala127Val (NM_001378033.1); short protein forms A127V, A316V.
Identifiers: ClinVar variation 1058698 (VCV001058698.9), dbSNP rs2151553309, ClinGen allele CA394099996.
Genomic context (GRCh38, chr16:724,328, plus strand): 5'-CAGAGGCTTAGAGACCCACAGATGCCTGACACCTCCCATCCCAGCGGGGCCCACCTGTAG[G>A]CAACCAGTAGCTCTTCATGCCTGCGGCTCAGATCCACCAGCCTCTTGTGGTAGCTGCGGG-3'
Protein context (NP_001364959.1, residues 306-326): LSRRHEELLV[Ala316Val]YRAPGNPQAI

ClinVar aggregate classification (germline): Uncertain significance (1 of 4 stars; one submission).

Conditions:
Congenital myopathy with internal nuclei and atypical cores. Also called: Myopathy, centronuclear, 4. Identifiers: Orphanet 319160, MedGen C4707232, MONDO:0013890, OMIM 614807.

Submission:

Labcorp Genetics (formerly Invitae), Labcorp
Classification: Uncertain significance for Congenital myopathy with internal nuclei and atypical cores. Last evaluated: 2022-08-16. Review status: criteria provided, single submitter. Criteria: Invitae Variant Classification Sherloc (09022015). Collection method: clinical testing. Allele origin: germline.
Comment: In summary, the available evidence is currently insufficient to determine the role of this variant in disease. Therefore, it has been classified as a Variant of Uncertain Significance. Algorithms developed to predict the effect of missense changes on protein structure and function output the following: SIFT: "Deleterious"; PolyPhen-2: "Benign"; Align-GVGD: "Class C0". The valine amino acid residue is found in multiple mammalian species, which suggests that this missense change does not adversely affect protein function. ClinVar contains an entry for this variant (Variation ID: 1058698). This variant has not been reported in the literature in individuals affected with CCDC78-related conditions. This variant is not present in population databases (gnomAD no frequency). This sequence change replaces alanine, which is neutral and non-polar, with valine, which is neutral and non-polar, at codon 316 of the CCDC78 protein (p.Ala316Val).